The following is an entry in ClinVar:

NM_032578.4(MYPN):c.2285G>A (p.Ser762Asn)

Gene: MYPN (myopalladin; plus strand). Cytogenetic location: 10q21.3.
Variant type: single nucleotide variant.
Coding change: c.2285G>A on transcript NM_032578.4 (MANE Select); coding-DNA position 2285, G replaced by A.
Protein change: p.Ser762Asn; replaces serine 762 with asparagine.
Molecular consequence: missense variant. On other transcripts: non-coding transcript variant (2).
Genome position (GRCh38, 1-based): chr10:68,174,377, G>A. VCF-style: chr10-68174377-G-A. GRCh37 (hg19) VCF-style: chr10-69934134-G-A.
Other names: c.2285G>A, p.Ser762Asn (NM_001256267.2); c.1403G>A, p.Ser468Asn (NM_001256268.2); short protein forms S468N, S762N.
Identifiers: ClinVar variation 3731619 (VCV003731619.1).

ClinVar aggregate classification (germline): Uncertain significance (1 of 4 stars; one submission).

Conditions:
MYPN-related myopathy (CMYO24). Also called: Nemaline myopathy 11, autosomal recessive. Identifiers: MedGen C4479186, MONDO:0015023, OMIM 617336.

Submission:

Clinical Genomics Laboratory, Stanford Medicine
Classification: Uncertain significance for MYPN-related myopathy. Last evaluated: 2021-12-03. Review status: criteria provided, single submitter. Criteria: ACMG Guidelines, 2015. Collection method: clinical testing. Allele origin: germline. Observed: 1 variant allele, 1 heterozygote.
Comment: The p.Ser762Asn variant in the MYPN gene has not been previously reported in association with disease. This variant was absent from large population databases, including the Genome Aggregation Database. Computational tools predict that this variant does not impact protein function; however, the accuracy of in silico algorithms is limited. These data were assessed using the ACMG/AMP variant interpretation guidelines. In summary, the significance of the p.Ser762Asn variant is uncertain. Additional information is needed to resolve the significance of this variant. [ACMG evidence codes used: PM2; BP4]